The following is an entry in ClinVar:

ClinVar aggregate classification (germline): Uncertain significance. Review status: criteria provided, multiple submitters, no conflicts (2 of 4 stars). 2 submissions from 2 submitters: Uncertain significance (2). Last evaluated 2025-06-12.

Conditions:
Glycogen storage disease IXd (GSD9D). Also called: GSD IXd; Muscle Phosphorylase Kinase Deficiency. Identifiers: Orphanet 715, MedGen C1845151, MONDO:0010362, OMIM 300559.

Allele frequency attached by ClinVar (database versions not stated): TOPMed below 0.00001; gnomAD 0.00001; gnomAD exomes 0.00002.
gnomAD v4.1: 20 of 1,199,350 alleles (0.0017%); highest among the groups gnomAD compares: Non-Finnish European, 0.0023%; no homozygotes.

Submissions (2):

GeneDx
Classification: Uncertain significance. Last evaluated: 2025-06-12. Review status: criteria provided, single submitter. Criteria: GeneDx Variant Classification Process June 2021. Collection method: clinical testing. Allele origin: germline.
Comment: Not observed at significant frequency in large population cohorts (gnomAD); In silico analysis supports that this missense variant has a deleterious effect on protein structure/function; Has not been previously published as pathogenic or benign to our knowledge

Labcorp Genetics (formerly Invitae), Labcorp
Classification: Uncertain significance for Glycogen storage disease IXd. Last evaluated: 2023-12-31. Review status: criteria provided, single submitter. Criteria: Invitae Variant Classification Sherloc (09022015). Collection method: clinical testing. Allele origin: germline.
Comment: This sequence change replaces serine, which is neutral and polar, with phenylalanine, which is neutral and non-polar, at codon 849 of the PHKA1 protein (p.Ser849Phe). This variant is not present in population databases (gnomAD no frequency). This variant has not been reported in the literature in individuals affected with PHKA1-related conditions. Advanced modeling of protein sequence and biophysical properties (such as structural, functional, and spatial information, amino acid conservation, physicochemical variation, residue mobility, and thermodynamic stability) has been performed at Invitae for this missense variant, however the output from this modeling did not meet the statistical confidence thresholds required to predict the impact of this variant on PHKA1 protein function. In summary, the available evidence is currently insufficient to determine the role of this variant in disease. Therefore, it has been classified as a Variant of Uncertain Significance.

NM_002637.4(PHKA1):c.2546C>T (p.Ser849Phe)

Gene: PHKA1 (phosphorylase kinase regulatory subunit alpha 1; minus strand). Cytogenetic location: Xq13.1.
Variant type: single nucleotide variant.
Coding change: c.2546C>T on transcript NM_002637.4 (MANE Select); coding-DNA position 2546, C replaced by T.
Protein change: p.Ser849Phe; replaces serine 849 with phenylalanine.
Molecular consequence: missense variant.
Genome position (GRCh38, 1-based): chrX:72,609,684, G>A on the plus strand (C>T on the coding strand, the complement: PHKA1 is on the minus strand). VCF-style: chrX-72609684-G-A. GRCh37 (hg19) VCF-style: chrX-71829534-G-A.
Other names: c.2546C>T (NM_002637.3); c.2546C>T, p.Ser849Phe (NM_001122670.2); c.2369C>T, p.Ser790Phe (NM_001172436.2); short protein forms S790F, S849F.
Identifiers: ClinVar variation 2996474 (VCV002996474.5), dbSNP rs1365875595, ClinGen allele CA413589926.